The following is an entry in ClinVar:

ClinVar aggregate classification (germline): Likely benign. Review status: criteria provided, multiple submitters, no conflicts (2 of 4 stars). 5 submissions from 5 submitters: Likely benign (5). Last evaluated 2026-01-14.

Conditions:
Cardiovascular phenotype. Identifiers: MedGen CN230736.
Dilated cardiomyopathy 1G (CMD1G). Identifiers: Orphanet 154, MedGen C1858763, MONDO:0011400, OMIM 604145.
Autosomal recessive limb-girdle muscular dystrophy type 2J (LGMDR10). Also called: MUSCULAR DYSTROPHY, LIMB-GIRDLE, AUTOSOMAL RECESSIVE 10; Limb-girdle muscular dystrophy, type 2J. Identifiers: Orphanet 140922, MedGen C1837342, MONDO:0012127, OMIM 608807.

Allele frequency attached by ClinVar (database versions not stated): gnomAD exomes 0.00003.
gnomAD v4.1: 39 of 1,613,652 alleles (0.0024%); highest among the groups gnomAD compares: Non-Finnish European, 0.0033%; no homozygotes.

Submissions (5):

Labcorp Genetics (formerly Invitae), Labcorp
Classification: Likely benign for Dilated cardiomyopathy 1G; Autosomal recessive limb-girdle muscular dystrophy type 2J. Last evaluated: 2026-01-14. Review status: criteria provided, single submitter. Criteria: Invitae Variant Classification Sherloc (09022015). Collection method: clinical testing. Allele origin: germline.

CeGaT Center for Human Genetics Tuebingen
Classification: Likely benign. Last evaluated: 2026-01-01. Review status: criteria provided, single submitter. Criteria: CeGaT Center For Human Genetics Tuebingen Variant Classification Criteria Version 2. Collection method: clinical testing. Allele origin: germline. Affected: yes. Observed: 1 variant allele.
Comment: TTN: BP4, BP7

Athena Diagnostics
Classification: Likely benign. Last evaluated: 2024-09-24. Review status: criteria provided, single submitter. Criteria: Athena Diagnostics Criteria. Collection method: clinical testing. Allele origin: unknown.

Blueprint Genetics
Classification: Likely benign. Last evaluated: 2022-12-14. Review status: criteria provided, single submitter. Criteria: ACMG Guidelines, 2015. Collection method: clinical testing. Allele origin: germline.

Ambry Genetics
Classification: Likely benign for Cardiovascular phenotype. Last evaluated: 2020-12-10. Review status: criteria provided, single submitter. Criteria: Ambry Variant Classification Scheme 2023. Collection method: clinical testing. Allele origin: germline.

NM_001267550.2(TTN):c.94875T>C (p.Val31625=)

Genes: TTN (titin; minus strand), TTN-AS1 (TTN antisense RNA 1; plus strand). Cytogenetic location: 2q31.2.
Variant type: single nucleotide variant.
Coding change: c.94875T>C on transcript NM_001267550.2 (MANE Select); coding-DNA position 94875, T replaced by C.
Protein change: p.Val31625=; no amino-acid change (valine 31625 retained).
Molecular consequence: synonymous variant.
Genome position (GRCh38, 1-based): chr2:178,546,456, A>G on the plus strand (T>C on the coding strand, the complement: TTN is on the minus strand). VCF-style: chr2-178546456-A-G. GRCh37 (hg19) VCF-style: chr2-179411183-A-G.
Other names: c.94875T>C (NM_001267550.1); c.89952T>C, p.Val29984= (NM_001256850.1); c.67680T>C, p.Val22560= (NM_003319.4); c.87171T>C, p.Val29057= (NM_133378.4); c.68055T>C, p.Val22685= (NM_133432.3); c.68256T>C, p.Val22752= (NM_133437.4).
Identifiers: ClinVar variation 1125149 (VCV001125149.35), dbSNP rs749477930, ClinGen allele CA60972364.